The following is an entry in ClinVar:

ClinVar aggregate classification (germline): Uncertain significance (1 of 4 stars; one submission).

Allele frequency attached by ClinVar (database versions not stated): TOPMed below 0.00001; gnomAD exomes 0.00001.
gnomAD v4.1: 8 of 1,613,318 alleles (0.0005%); highest among the groups gnomAD compares: Non-Finnish European, 0.00068%; no homozygotes.

Submission:

Labcorp Genetics (formerly Invitae), Labcorp
Classification: Uncertain significance. Last evaluated: 2023-07-26. Review status: criteria provided, single submitter. Criteria: Invitae Variant Classification Sherloc (09022015). Collection method: clinical testing. Allele origin: germline.
Comment: This sequence change replaces aspartic acid, which is acidic and polar, with glycine, which is neutral and non-polar, at codon 339 of the GHR protein (p.Asp339Gly). This variant is not present in population databases (gnomAD no frequency). This variant has not been reported in the literature in individuals affected with GHR-related conditions. Advanced modeling of protein sequence and biophysical properties (such as structural, functional, and spatial information, amino acid conservation, physicochemical variation, residue mobility, and thermodynamic stability) has been performed at Invitae for this missense variant, however the output from this modeling did not meet the statistical confidence thresholds required to predict the impact of this variant on GHR protein function. In summary, the available evidence is currently insufficient to determine the role of this variant in disease. Therefore, it has been classified as a Variant of Uncertain Significance.

NM_000163.5(GHR):c.1016A>G (p.Asp339Gly)

Gene: GHR (growth hormone receptor; plus strand). Cytogenetic location: 5p12.
Variant type: single nucleotide variant.
Coding change: c.1016A>G on transcript NM_000163.5 (MANE Select); coding-DNA position 1016, A replaced by G.
Protein change: p.Asp339Gly; replaces aspartic acid 339 with glycine.
Molecular consequence: missense variant. On other transcripts: 3 prime UTR variant (1).
Genome position (GRCh38, 1-based): chr5:42,718,523, A>G. VCF-style: chr5-42718523-A-G. GRCh37 (hg19) VCF-style: chr5-42718625-A-G.
Other names: c.1037A>G, p.Asp346Gly (NM_001242399.2); c.1016A>G, p.Asp339Gly (NM_001242400.2, NM_001242401.4, NM_001242402.2 and 4 more transcripts); c.950A>G, p.Asp317Gly (NM_001242460.2); c.*58A>G (NM_001242462.1); short protein forms D346G, D317G, D339G.
Identifiers: ClinVar variation 2733933 (VCV002733933.3), dbSNP rs1298946074, ClinGen allele CA359628821.